The following is an entry in ClinVar:

ClinVar aggregate classification (germline): Uncertain significance (1 of 4 stars; one submission).

Conditions:
Bethlem myopathy 1A. Also called: Bethlem myopathy 1; MYOPATHY, BENIGN CONGENITAL, WITH CONTRACTURES; Bethlem Muscular Dystrophy. Identifiers: Orphanet 610, MedGen CN029274, MONDO:0024530, OMIM 158810.

Allele frequency attached by ClinVar (database versions not stated): gnomAD 0.00001.
gnomAD v4.1: 1 of 1,614,114 alleles (0.000062%); highest among the groups gnomAD compares: Non-Finnish European, 0.000085%; no homozygotes.

Submission:

Labcorp Genetics (formerly Invitae), Labcorp
Classification: Uncertain significance for Bethlem myopathy 1A. Last evaluated: 2022-12-27. Review status: criteria provided, single submitter. Criteria: Invitae Variant Classification Sherloc (09022015). Collection method: clinical testing. Allele origin: germline.
Comment: This variant disrupts the triple helix domain of COL6A3. Glycine residues within the Gly-Xaa-Yaa repeats of the triple helix domain are required for the structure and stability of fibrillar collagens (PMID: 7695699, 8218237, 19344236). In COL6A3, missense variants at these glycine residues are significantly enriched in individuals with autosomal dominant disease (PMID: 15689448, 24038877) compared to the general population (ExAC). In summary, the available evidence is currently insufficient to determine the role of this variant in disease. Therefore, it has been classified as a Variant of Uncertain Significance. Advanced modeling of protein sequence and biophysical properties (such as structural, functional, and spatial information, amino acid conservation, physicochemical variation, residue mobility, and thermodynamic stability) performed at Invitae indicates that this missense variant is expected to disrupt COL6A3 protein function. This variant has not been reported in the literature in individuals affected with COL6A3-related conditions. This variant is not present in population databases (gnomAD no frequency). This sequence change replaces glycine, which is neutral and non-polar, with serine, which is neutral and polar, at codon 2264 of the COL6A3 protein (p.Gly2264Ser).

Literature cited by the submitters: PubMed 7695699; PubMed 8218237; PubMed 19344236; PubMed 15689448; PubMed 24038877.

NM_004369.4(COL6A3):c.6790G>A (p.Gly2264Ser)

Gene: COL6A3 (collagen type VI alpha 3 chain; minus strand). Cytogenetic location: 2q37.3.
Variant type: single nucleotide variant.
Coding change: c.6790G>A on transcript NM_004369.4 (MANE Select); coding-DNA position 6790, G replaced by A.
Protein change: p.Gly2264Ser; replaces glycine 2264 with serine.
Molecular consequence: missense variant.
Genome position (GRCh38, 1-based): chr2:237,351,156, C>T on the plus strand (G>A on the coding strand, the complement: COL6A3 is on the minus strand). VCF-style: chr2-237351156-C-T. GRCh37 (hg19) VCF-style: chr2-238259799-C-T.
Other names: c.4969G>A, p.Gly1657Ser (NM_057166.5); c.6172G>A, p.Gly2058Ser (NM_057167.4); short protein forms G1657S, G2058S, G2264S.
Identifiers: ClinVar variation 2824470 (VCV002824470.3), dbSNP rs2077198183, ClinGen allele CA351210726.